The following is an entry in ClinVar:

NM_005121.3(MED13):c.1856dup (p.Phe620fs)

Gene: MED13 (mediator complex subunit 13; minus strand). Cytogenetic location: 17q23.2.
Variant type: Duplication.
Coding change: c.1856dup on transcript NM_005121.3 (MANE Select); coding-DNA position 1856, one base duplicated (A; older notation c.1856dupA).
Protein change: p.Phe620fs; shifts the reading frame from phenylalanine 620.
Molecular consequence: frameshift variant.
Genome position (GRCh38, 1-based): chr17:62,010,661, T duplicated on the plus strand (A on the coding strand, the reverse complement: MED13 is on the minus strand); the first of 2 consecutive T bases (chr17:62,010,661-62,010,662); duplicating either gives the same sequence. VCF-style (leftmost placement, unchanged base first): chr17-62010660-C-CT. GRCh37 (hg19) VCF-style: chr17-60088021-C-CT.
Other names: short protein forms F620fs.
Identifiers: ClinVar variation 4526888 (VCV004526888.1).

ClinVar aggregate classification (germline): Pathogenic (1 of 4 stars; one submission).

Conditions:
Intellectual developmental disorder 61. Also called: INTELLECTUAL DEVELOPMENTAL DISORDER, AUTOSOMAL DOMINANT 61; MENTAL RETARDATION, AUTOSOMAL DOMINANT 61. Identifiers: MedGen C5231400, MONDO:0032485, OMIM 618009.

Submission:

Molecular Genetics Laboratory, Motol Hospital
Classification: Pathogenic for Intellectual developmental disorder 61. Last evaluated: 2025-11-07. Review status: criteria provided, single submitter. Criteria: ACMG Guidelines, 2015. Collection method: clinical testing. Allele origin: de novo. Affected: yes. Observed: 1 variant allele.
Comment: Not present in gnomAD (v4.1.0), dbSNP or ClinVar (PM2). Rare variants affecting the MED13 gene are associated with autosomal dominant intellectual developmental disorder 61 (MRD61; MIM:618009; PMID:29740699;PMID:38528425;PMID:36087421). To conclude, the variant c.1856dup is classified as pathogenic (PS2, PM2, PVS1).

Literature cited by the submitters: PubMed 29740699; PubMed 38528425; PubMed 36087421.